The following is an entry in ClinVar:

ClinVar aggregate classification (germline): Benign/Likely benign. Review status: criteria provided, multiple submitters, no conflicts (2 of 4 stars). 5 submissions from 5 submitters: Benign (2); Likely benign (2). 1 of the submissions does not count toward it. Last evaluated 2026-02-04.

Conditions:
MECR-related disorder. Also called: MECR-related condition.

Allele frequency attached by ClinVar (database versions not stated): 1000 Genomes Project 30x 0.01718; gnomAD 0.02465 and 0.02380; 1000 Genomes Project 0.01697; ExAC 0.01788; gnomAD exomes 0.01748; ESP Exome Variant Server 0.02553; TOPMed 0.02678.
gnomAD v4.1: 28,975 of 1,613,010 alleles (1.8%); highest among the groups gnomAD compares: Middle Eastern, 5.2%; 348 homozygotes.

Submissions (5):

Labcorp Genetics (formerly Invitae), Labcorp
Classification: Benign. Last evaluated: 2026-02-04. Review status: criteria provided, single submitter. Criteria: Invitae Variant Classification Sherloc (09022015). Collection method: clinical testing. Allele origin: germline.

Mayo Clinic Laboratories, Mayo Clinic
Classification: Benign. Last evaluated: 2023-08-24. Review status: criteria provided, single submitter. Criteria: ACMG Guidelines, 2015. Collection method: clinical testing. Allele origin: germline. Observed: 19 variant alleles.
Comment: BS1, BS2, BP4, BP7

GeneDx
Classification: Likely benign. Last evaluated: 2021-04-26. Review status: criteria provided, single submitter. Criteria: GeneDx Variant Classification Process June 2021. Collection method: clinical testing. Allele origin: germline. Affected: yes.

Breakthrough Genomics
Classification: Likely benign. Review status: criteria provided, single submitter. Criteria: ACMG Guidelines, 2015. Collection method: not provided. Allele origin: germline. Inheritance: Autosomal recessive inheritance. Affected: yes.

PreventionGenetics, part of Exact Sciences
Classification: Benign for MECR-related condition. Last evaluated: 2019-07-15. Review status: no assertion criteria provided. Collection method: clinical testing. Allele origin: germline. Not counted in ClinVar's aggregate classification.
Comment: This variant is classified as benign based on ACMG/AMP sequence variant interpretation guidelines (Richards et al. 2015 PMID: 25741868, with internal and published modifications).

NM_016011.5(MECR):c.275-7C>T

Gene: MECR (mitochondrial trans-2-enoyl-CoA reductase; minus strand). Cytogenetic location: 1p35.3.
Variant type: single nucleotide variant.
Coding change: c.275-7C>T on transcript NM_016011.5 (MANE Select); 7 bases into the intron before coding-DNA position 275, C replaced by T.
Molecular consequence: intron variant.
Genome position (GRCh38, 1-based): chr1:29,216,143, G>A on the plus strand (C>T on the coding strand, the complement: MECR is on the minus strand). VCF-style: chr1-29216143-G-A. GRCh37 (hg19) VCF-style: chr1-29542655-G-A.
Other names: p.?; c.275-7C>T (NM_016011.3); c.125-7C>T (NM_001349717.2); c.47-7C>T (NM_001024732.4, NM_001349714.2, NM_001349712.2 and 2 more transcripts); c.359-7C>T (NM_001349716.2); c.380-7C>T (NM_001349715.2).
Identifiers: ClinVar variation 1314923 (VCV001314923.13), dbSNP rs34620411, ClinGen allele CA725839.
Genomic context (GRCh38, chr1:29,216,143, plus strand): 5'-CAACACCTTCGTTCCCTCCAACAGCAGGCAGTTCAGGAAGGAATCCGTAGTTTCCTGAGG[G>A]AGAAGAGCATTAAAGGGTCAACCAGTGATGTTTGGGCAGTGAAAGAGCATGGACTTGAGT-3'